The following is an entry in ClinVar:

NM_001172501.3(SLC6A2):c.407-90T>G

Gene: SLC6A2 (solute carrier family 6 member 2; plus strand). Cytogenetic location: 16q12.2.
Variant type: single nucleotide variant.
Coding change: c.407-90T>G on transcript NM_001172501.3 (MANE Select); 90 bases into the intron before coding-DNA position 407, T replaced by G.
Molecular consequence: intron variant. On other transcripts: missense variant (1), initiator codon variant (1).
Genome position (GRCh38, 1-based): chr16:55,671,848, T>G. VCF-style: chr16-55671848-T-G. GRCh37 (hg19) VCF-style: chr16-55705760-T-G.
Other names: c.2T>G, p.Met1Arg (NM_001172502.1); c.407-90T>G (NM_001043.3, NM_001172504.1); short protein forms M1R.
Identifiers: ClinVar variation 1297547 (VCV001297547.23), dbSNP rs552629380, ClinGen allele CA8061438.

ClinVar aggregate classification (germline): Likely benign. Review status: criteria provided, single submitter (1 of 4 stars). 3 submissions from 3 submitters: Likely benign (1). 2 of the submissions do not count toward it. Last evaluated 2024-05-01.

Allele frequency attached by ClinVar (database versions not stated): 1000 Genomes Project 0.00040; 1000 Genomes Project 30x 0.00047; TOPMed 0.00076; gnomAD exomes 0.00125 and 0.00136; gnomAD 0.00177 and 0.00188; ExAC 0.00332.
gnomAD v4.1: 2,045 of 1,591,582 alleles (0.13%); highest among the groups gnomAD compares: Non-Finnish European, 0.13%; 4 homozygotes.

Submissions (3):

CeGaT Center for Human Genetics Tuebingen
Classification: Likely benign. Last evaluated: 2024-05-01. Review status: criteria provided, single submitter. Criteria: CeGaT Center For Human Genetics Tuebingen Variant Classification Criteria Version 2. Collection method: clinical testing. Allele origin: germline. Affected: yes. Observed: 1 variant allele.
Comment: SLC6A2: BS1

Clinical Genetics DNA and cytogenetics Diagnostics Lab, Erasmus MC, Erasmus Medical Center
Classification: Likely benign. Review status: no assertion criteria provided. Collection method: clinical testing. Allele origin: germline. Affected: yes. Study: VKGL Data-share Consensus. Not counted in ClinVar's aggregate classification.

Joint Genome Diagnostic Labs from Nijmegen and Maastricht, Radboudumc and MUMC+
Classification: Likely benign. Review status: no assertion criteria provided. Collection method: clinical testing. Allele origin: germline. Affected: yes. Study: VKGL Data-share Consensus. Not counted in ClinVar's aggregate classification.